The following is an entry in ClinVar:

ClinVar aggregate classification (germline): Pathogenic (1 of 4 stars; one submission).

Conditions:
Gorlin syndrome. Also called: Nevoid Basal Cell Carcinoma Syndrome; Basal cell nevus syndrome. Identifiers: Orphanet 377, MedGen C0004779, MONDO:0007187.

Submission:

Labcorp Genetics (formerly Invitae), Labcorp
Classification: Pathogenic for Gorlin syndrome. Last evaluated: 2024-11-21. Review status: criteria provided, single submitter. Criteria: Invitae Variant Classification Sherloc (09022015). Collection method: clinical testing. Allele origin: germline.
Comment: This sequence change creates a premature translational stop signal (p.Leu1156Profs*28) in the PTCH1 gene. It is expected to result in an absent or disrupted protein product. Loss-of-function variants in PTCH1 are known to be pathogenic (PMID: 16301862, 16419085). This variant is not present in population databases (gnomAD no frequency). This variant has not been reported in the literature in individuals affected with PTCH1-related conditions. For these reasons, this variant has been classified as Pathogenic.

Literature cited by the submitters: PubMed 16301862; PubMed 16419085.

NM_000264.5(PTCH1):c.3466dup (p.Leu1156fs)

Gene: PTCH1 (patched 1; minus strand). Cytogenetic location: 9q22.32.
Variant type: Duplication.
Coding change: c.3466dup on transcript NM_000264.5 (MANE Select); coding-DNA position 3466, one base duplicated (C; older notation c.3466dupC).
Protein change: p.Leu1156fs; shifts the reading frame from leucine 1156.
Molecular consequence: frameshift variant. On other transcripts: non-coding transcript variant (1).
Genome position (GRCh38, 1-based): chr9:95,449,924, G duplicated on the plus strand (C on the coding strand, the reverse complement: PTCH1 is on the minus strand). VCF-style (leftmost placement, unchanged base first): chr9-95449923-A-AG. GRCh37 (hg19) VCF-style: chr9-98212205-A-AG.
Other names: c.3013dup, p.Leu1005fs (NM_001083606.3, NM_001083607.3, NM_001083604.3 and 1 more transcripts); c.3310dup, p.Leu1104fs (NM_001354918.2); c.3268dup, p.Leu1090fs (NM_001083602.3); c.3463dup, p.Leu1155fs (NM_001083603.3); short protein forms L1155fs, L1156fs, L1005fs, L1090fs, L1104fs.
Identifiers: ClinVar variation 3725751 (VCV003725751.2).
Genomic context (GRCh38, chr9:95,449,923, plus strand): 5'-GACAAAAGCACGGGAAGCAAAACCAGCCCATTGAGAACGCCGAGGATGGTGAGGATCGCC[A>AG]GCACAGCAAAGAAATACCTGGGAGATCAAGAGGAAACGGGAACACGCGCTGTGACAGGGT-3'